The following is an entry in ClinVar:

ClinVar aggregate classification (germline): Pathogenic (1 of 4 stars; one submission).

Submission:

Labcorp Genetics (formerly Invitae), Labcorp
Classification: Pathogenic. Last evaluated: 2022-06-27. Review status: criteria provided, single submitter. Criteria: Invitae Variant Classification Sherloc (09022015). Collection method: clinical testing. Allele origin: germline.
Comment: For these reasons, this variant has been classified as Pathogenic. This variant has not been reported in the literature in individuals affected with USH1C-related conditions. This variant is not present in population databases (gnomAD no frequency). This sequence change creates a premature translational stop signal (p.Tyr356*) in the USH1C gene. It is expected to result in an absent or disrupted protein product. Loss-of-function variants in USH1C are known to be pathogenic (PMID: 10973247, 17407589, 20301442, 21203349).

Literature cited by the submitters: PubMed 10973247; PubMed 17407589; PubMed 20301442; PubMed 21203349.

NM_153676.4(USH1C):c.1068C>G (p.Tyr356Ter)

Gene: USH1C (USH1 protein network component harmonin; minus strand). Cytogenetic location: 11p15.1.
Variant type: single nucleotide variant.
Coding change: c.1068C>G on transcript NM_153676.4 (MANE Select); coding-DNA position 1068, C replaced by G.
Protein change: p.Tyr356Ter; replaces tyrosine 356 with a stop codon.
Molecular consequence: nonsense. On other transcripts: non-coding transcript variant (1).
Genome position (GRCh38, 1-based): chr11:17,521,363, G>C on the plus strand (C>G on the coding strand, the complement: USH1C is on the minus strand). VCF-style: chr11-17521363-G-C. GRCh37 (hg19) VCF-style: chr11-17542910-G-C.
Other names: c.1011C>G, p.Tyr337Ter (NM_001297764.2); c.1068C>G, p.Tyr356Ter (NM_005709.4); short protein forms Y337*, Y356*.
Identifiers: ClinVar variation 2011674 (VCV002011674.4), dbSNP rs1013799989, ClinGen allele CA379784970.